The following is an entry in ClinVar:

NM_022089.4(ATP13A2):c.1033_1034del (p.Leu345fs)

Gene: ATP13A2 (ATPase cation transporting 13A2; minus strand). Cytogenetic location: 1p36.13.
Variant type: Microsatellite.
Coding change: c.1033_1034del on transcript NM_022089.4 (MANE Select); coding-DNA positions 1033 to 1034, 2 bases deleted (CT; older notation c.1033_1034delCT).
Protein change: p.Leu345fs; shifts the reading frame from leucine 345.
Molecular consequence: frameshift variant.
Genome position (GRCh38, 1-based): chr1:17,000,016-17,000,017, AG deleted on the plus strand (CT on the coding strand, the reverse complement: ATP13A2 is on the minus strand); deleting any 2 consecutive bases within chr1:17,000,016-17,000,021 gives the same sequence; the c. name uses the placement nearest the transcript's 3' end. VCF-style (leftmost placement, unchanged base first): chr1-17000015-CAG-C. GRCh37 (hg19) VCF-style: chr1-17326510-CAG-C.
Other names: c.1018_1019del, p.Leu340fs (NM_001141973.3, NM_001141974.3); short protein forms L340fs, L345fs.
Identifiers: ClinVar variation 2629777 (VCV002629777.4), dbSNP rs2523962293, ClinGen allele CA2695197977.

ClinVar aggregate classification (germline): Pathogenic. Review status: criteria provided, multiple submitters, no conflicts (2 of 4 stars). 2 submissions from 2 submitters: Pathogenic (2). Last evaluated 2023-01-18.

Conditions:
ATP13A2-related disorder. Also called: ATP13A2-related disorders; ATP13A2-related condition.
Kufor-Rakeb syndrome (KRS). Also called: PARKINSON DISEASE 9, AUTOSOMAL RECESSIVE, JUVENILE-ONSET. Identifiers: Orphanet 306674, Orphanet 314632, MedGen C1847640, MONDO:0011706, OMIM 606693.
Autosomal recessive spastic paraplegia type 78. Identifiers: Orphanet 513436, MedGen C5567893, MONDO:0014975, OMIM 617225.

Submissions (2):

PreventionGenetics, part of Exact Sciences
Classification: Pathogenic for ATP13A2-related condition. Last evaluated: 2023-01-18. Review status: criteria provided, single submitter. Criteria: ACMG Guidelines, 2015. Collection method: clinical testing. Allele origin: germline.
Comment: The ATP13A2 c.1033_1034delCT variant is predicted to result in a frameshift and premature protein termination (p.Leu345Aspfs*78). To our knowledge, this variant has not been reported in the literature or in a large population database, indicating this variant is rare. Frameshift variants in ATP13A2 are expected to be pathogenic. This variant is interpreted as pathogenic.

Labcorp Genetics (formerly Invitae), Labcorp
Classification: Pathogenic for Kufor-Rakeb syndrome; Autosomal recessive spastic paraplegia type 78. Last evaluated: 2022-10-30. Review status: criteria provided, single submitter. Criteria: Invitae Variant Classification Sherloc (09022015). Collection method: clinical testing. Allele origin: germline.
Comment: This sequence change creates a premature translational stop signal (p.Leu345Aspfs*78) in the ATP13A2 gene. It is expected to result in an absent or disrupted protein product. Loss-of-function variants in ATP13A2 are known to be pathogenic (PMID: 16964263, 21696388). This variant is not present in population databases (gnomAD no frequency). This variant has not been reported in the literature in individuals affected with ATP13A2-related conditions. For these reasons, this variant has been classified as Pathogenic.

Literature cited by the submitters: PubMed 16964263 (cited by Labcorp Genetics (formerly Invitae), Labcorp); PubMed 21696388 (cited by Labcorp Genetics (formerly Invitae), Labcorp).